The following is an entry in ClinVar:

NM_000022.4(ADA):c.306C>G (p.Tyr102Ter)

Gene: ADA (adenosine deaminase; minus strand). Cytogenetic location: 20q13.12.
Variant type: single nucleotide variant.
Coding change: c.306C>G on transcript NM_000022.4 (MANE Select); coding-DNA position 306, C replaced by G.
Protein change: p.Tyr102Ter; replaces tyrosine 102 with a stop codon.
Molecular consequence: nonsense. On other transcripts: missense variant (1), non-coding transcript variant (1).
Genome position (GRCh38, 1-based): chr20:44,626,512, G>C on the plus strand (C>G on the coding strand, the complement: ADA is on the minus strand). VCF-style: chr20-44626512-G-C. GRCh37 (hg19) VCF-style: chr20-43255153-G-C.
Other names: c.17C>G, p.Thr6Arg (NM_001322050.2); c.306C>G, p.Tyr102Ter (NM_001322051.2); short protein forms T6R, Y102*.
Identifiers: ClinVar variation 1396468 (VCV001396468.6), dbSNP rs149520391, ClinGen allele CA409121379.

ClinVar aggregate classification (germline): Pathogenic (1 of 4 stars; one submission).

Conditions:
Severe combined immunodeficiency, autosomal recessive, T cell-negative, B cell-negative, NK cell-negative, due to adenosine deaminase deficiency. Also called: ADA deficiency; Adenosine deaminase deficient severe combined immunodeficiency; Severe combined immunodeficiency due to ADA deficiency; Adenosine Deaminase Deficiency; SCID DUE TO ADA DEFICIENCY; SCID DUE TO ADA DEFICIENCY, EARLY-ONSET. Identifiers: Orphanet 277, MedGen C0392607, MONDO:0007064, OMIM 102700.

Submission:

Labcorp Genetics (formerly Invitae), Labcorp
Classification: Pathogenic for Severe combined immunodeficiency, autosomal recessive, T cell-negative, B cell-negative, NK cell-negative, due to adenosine deaminase deficiency. Last evaluated: 2021-10-07. Review status: criteria provided, single submitter. Criteria: Invitae Variant Classification Sherloc (09022015). Collection method: clinical testing. Allele origin: germline.
Comment: This sequence change creates a premature translational stop signal (p.Tyr102*) in the ADA gene. It is expected to result in an absent or disrupted protein product. Loss-of-function variants in ADA are known to be pathogenic (PMID: 26255240, 26376800). This variant is not present in population databases (ExAC no frequency). For these reasons, this variant has been classified as Pathogenic. This variant has not been reported in the literature in individuals affected with ADA-related conditions.

Literature cited by the submitters: PubMed 26255240; PubMed 26376800.